The following is an entry in ClinVar:

ClinVar aggregate classification (germline): Uncertain significance (1 of 4 stars; one submission).

Conditions:
Epilepsy, childhood absence, susceptibility to, 1. Also called: Epilepsy, childhood absence 1. Identifiers: Orphanet 64280, MedGen C1838604, MONDO:0020759, OMIM 600131.
Epilepsy, childhood absence, susceptibility to, 5. Identifiers: Orphanet 64280, MedGen C2677087, MONDO:0012843, OMIM 612269.

Submission:

Labcorp Genetics (formerly Invitae), Labcorp
Classification: Uncertain significance for Epilepsy, childhood absence, susceptibility to, 5; Epilepsy, childhood absence, susceptibility to, 1. Last evaluated: 2022-07-12. Review status: criteria provided, single submitter. Criteria: Invitae Variant Classification Sherloc (09022015). Collection method: clinical testing. Allele origin: germline.
Comment: This variant has not been reported in the literature in individuals affected with GABRB3-related conditions. In summary, the available evidence is currently insufficient to determine the role of this variant in disease. Therefore, it has been classified as a Variant of Uncertain Significance. This variant disrupts a region of the GABRB3 protein in which other variant(s) (p.Phe395Leufs*48) have been observed in individuals with GABRB3-related conditions (Invitae). This suggests that this is a clinically significant region of the protein, and that variants that disrupt it are likely to be disease-causing. Experimental studies and prediction algorithms are not available or were not evaluated, and the functional significance of this variant is currently unknown. This variant is a gross deletion of the genomic region encompassing exon(s) 9 of the GABRB3 gene, which includes the termination codon. This deletion extends beyond the assayed region for this gene and therefore may encompass additional genes. While this deletion is not anticipated to lead to nonsense mediated decay, it is expected to alter mRNA translation or result in a truncated protein product.

NC_000015.9:g.(?_26792940)_(26793301_?)del

Gene: GABRB3 (gamma-aminobutyric acid type A receptor subunit beta3; minus strand). Cytogenetic location: 15q12.
Variant type: Deletion.
Identifiers: ClinVar variation 2423403 (VCV002423403.4).